The following is an entry in ClinVar:

NM_016239.4(MYO15A):c.1103_1105del (p.Tyr368del)

Gene: MYO15A (myosin XVA; plus strand). Cytogenetic location: 17p11.2.
Variant type: Deletion.
Coding change: c.1103_1105del on transcript NM_016239.4 (MANE Select); coding-DNA positions 1103 to 1105, 3 bases deleted (ACT; older notation c.1103_1105delACT).
Protein change: p.Tyr368del; deletes tyrosine 368.
Molecular consequence: inframe deletion.
Genome position (GRCh38, 1-based): chr17:18,119,903-18,119,905, ACT deleted; deleting any 3 consecutive bases within chr17:18,119,901-18,119,905 gives the same sequence; the c. name uses the placement nearest the transcript's 3' end. VCF-style (leftmost placement, unchanged base first): chr17-18119900-CCTA-C. GRCh37 (hg19) VCF-style: chr17-18023214-CCTA-C.
Other names: short protein forms Y368del.
Identifiers: ClinVar variation 228943 (VCV000228943.4), dbSNP rs876657896, ClinGen allele CA10577012.

ClinVar aggregate classification (germline): Uncertain significance (1 of 4 stars; one submission).

Submission:

Laboratory for Molecular Medicine, Mass General Brigham Personalized Medicine
Classification: Uncertain significance. Last evaluated: 2015-05-14. Review status: criteria provided, single submitter. Criteria: LMM Criteria. Collection method: clinical testing. Allele origin: germline. Observed: 1 variant allele.
Comment: The p.Tyr368del variant in MYO15A has not been previously reported in individual s with hearing loss or in large population studies, although the ability of thes e studies to accurately detect indels may be limited. This variant is a deletio n of one amino acid at position 368 and is not predicted to alter the protein re ading-frame. It is unclear whether this deletion will impact the protein. In su mmary, the clinical significance of the p.Tyr368del variant is uncertain.